The following is an entry in ClinVar:

NM_000530.8(MPZ):c.204C>A (p.Tyr68Ter)

Gene: MPZ (myelin protein zero; minus strand). Cytogenetic location: 1q23.3.
Variant type: single nucleotide variant.
Coding change: c.204C>A on transcript NM_000530.8 (MANE Select); coding-DNA position 204, C replaced by A.
Protein change: p.Tyr68Ter; replaces tyrosine 68 with a stop codon.
Molecular consequence: nonsense.
Genome position (GRCh38, 1-based): chr1:161,307,288, G>T on the plus strand (C>A on the coding strand, the complement: MPZ is on the minus strand). VCF-style: chr1-161307288-G-T. GRCh37 (hg19) VCF-style: chr1-161277078-G-T.
Other names: c.204C>A (LRG_256t1); c.204C>A, p.Tyr68Ter (NM_001315491.2); short protein forms Y68*.
Identifiers: ClinVar variation 637508 (VCV000637508.5), dbSNP rs1571819906, ClinGen allele CA343350514.

ClinVar aggregate classification (germline): Pathogenic. Review status: criteria provided, single submitter (1 of 4 stars). 2 submissions from 2 submitters: Pathogenic (1). 1 of the submissions does not count toward it. Last evaluated 2023-11-28.

Conditions:
Charcot-Marie-Tooth disease. Also called: Charcot-Marie-Tooth Hereditary Neuropathy; Charcot-Marie-Tooth Neuropathy. Identifiers: Orphanet 166, MedGen C0007959, MONDO:0015626.
Charcot-Marie-Tooth disease, type I (CMT1). Also called: Charcot-Marie-Tooth disease type 1; Charcot-Marie-Tooth, Type 1. Identifiers: Orphanet 65753, MedGen C0751036, MONDO:0019011.

Submissions (2):

Labcorp Genetics (formerly Invitae), Labcorp
Classification: Pathogenic for Charcot-Marie-Tooth disease, type I. Last evaluated: 2023-11-28. Review status: criteria provided, single submitter. Criteria: Invitae Variant Classification Sherloc (09022015). Collection method: clinical testing. Allele origin: germline.
Comment: This sequence change creates a premature translational stop signal (p.Tyr68*) in the MPZ gene. It is expected to result in an absent or disrupted protein product. Loss-of-function variants in MPZ are known to be pathogenic (PMID: 14711881). This variant is not present in population databases (gnomAD no frequency). This variant has not been reported in the literature in individuals affected with MPZ-related conditions. ClinVar contains an entry for this variant (Variation ID: 637508). For these reasons, this variant has been classified as Pathogenic.

Inherited Neuropathy Consortium
Classification: Pathogenic for Charcot-Marie-Tooth disease. Review status: no assertion criteria provided. Collection method: literature only. Allele origin: germline. Affected: yes. Not counted in ClinVar's aggregate classification.

Literature cited by the submitters: PubMed 14711881 (cited by Labcorp Genetics (formerly Invitae), Labcorp); PubMed 25614874 (cited by Inherited Neuropathy Consortium).